The following is an entry in ClinVar:

ClinVar aggregate classification (germline): Uncertain significance. Review status: criteria provided, multiple submitters, no conflicts (2 of 4 stars). 3 submissions from 3 submitters: Uncertain significance (3). Last evaluated 2022-02-14.

Conditions:
Metatropic dysplasia (MTD). Also called: Metatropic Dysplasia, TRPV4-Related; METATROPIC DWARFISM; Metatropic dysplasia, nonlethal dominant. Identifiers: Orphanet 2635, MedGen C0265281, MONDO:0007986, OMIM 156530.
Spondyloepimetaphyseal dysplasia, Maroteaux type (SEDM). Also called: PSEUDO-MORQUIO SYNDROME, TYPE 2; Spondyloepimetaphyseal Dysplasia, TRPV4-Related (Maroteaux Type); SED, MAROTEAUX TYPE. Identifiers: Orphanet 263482, MedGen C3159322, MONDO:0008473, OMIM 184095.
Sodium serum level quantitative trait locus 1 (SSQTL1). Identifiers: MedGen C3150755, OMIM 613508.
Charcot-Marie-Tooth disease axonal type 2C (HMSN2C). Also called: CHARCOT-MARIE-TOOTH DISEASE, AXONAL, AUTOSOMAL DOMINANT, TYPE 2C; Charcot-Marie-Tooth Neuropathy Type 2C; Charcot-Marie-Tooth Disease Type 2, TRPV4-Related (CMT2C). Identifiers: Orphanet 99937, MedGen C1853710, MONDO:0011633, OMIM 606071.
Brachyrachia (short spine dysplasia) (BCYM3). Also called: Brachyolmia, TRPV4-Related; BRACHYRACHIA; Brachyolmia Type 3; Autosomal dominant brachyolmia. Identifiers: Orphanet 93304, MedGen C0432227, MONDO:0007232, OMIM 113500.
Familial digital arthropathy-brachydactyly. Identifiers: Orphanet 85169, MedGen C1847406, MONDO:0011732, OMIM 606835.
Parastremmatic dwarfism. Identifiers: Orphanet 2646, MedGen C1868616, MONDO:0008196, OMIM 168400.
Neuronopathy, distal hereditary motor, autosomal dominant 8. Also called: NEURONOPATHY, DISTAL HEREDITARY MOTOR, TYPE VIII; NEUROPATHY, DISTAL HEREDITARY MOTOR, TYPE VIII; SPINAL MUSCULAR ATROPHY, CONGENITAL BENIGN, WITH CONTRACTURES; Autosomal dominant congenital benign spinal muscular atrophy. Identifiers: Orphanet 1216, MedGen C1838492, MONDO:0010839, OMIM 600175.
Spondylometaphyseal dysplasia, Kozlowski type (SMDK). Also called: Dysmorphism arthrogryposis skeletal maturation advanced; Jequier-Kozlowski syndrome; Skeletal dysplasia Jequier-Kozlowski type; SMD Kozlowski type; Spondylometaphyseal Dysplasia, TRPV4-Related (Kozlowski Type). Identifiers: Orphanet 93314, MedGen C0265280, MONDO:0008477, OMIM 184252.
Scapuloperoneal spinal muscular atrophy (SPSMA). Also called: Scapuloperoneal spinal muscular atrophy, autosomal dominant; Scapuloperoneal Spinal Muscular Atrophy, TRPV4-Related; AMYOTROPHY, NEUROGENIC SCAPULOPERONEAL, NEW ENGLAND TYPE; Scapuloperoneal Form of Spinal Muscular Atrophy. Identifiers: Orphanet 431255, MedGen C0751335, MONDO:0008408, OMIM 181405.
Avascular necrosis of femoral head, primary, 2 (ANFH2). Identifiers: MedGen C4479260, MONDO:0054551, OMIM 617383.

Allele frequency attached by ClinVar (database versions not stated): ExAC 0.00002; gnomAD exomes 0.00001.
gnomAD v4.1: 11 of 1,612,488 alleles (0.00068%); highest among the groups gnomAD compares: Non-Finnish European, 0.00085%; no homozygotes.

Submissions (3):

Fulgent Genetics
Classification: Uncertain significance for Brachyrachia (short spine dysplasia); Metatropic dysplasia; Parastremmatic dwarfism; Scapuloperoneal spinal muscular atrophy; Spondyloepimetaphyseal dysplasia, Maroteaux type; Spondylometaphyseal dysplasia, Kozlowski type; Neuronopathy, distal hereditary motor, autosomal dominant 8; Charcot-Marie-Tooth disease axonal type 2C; Familial digital arthropathy-brachydactyly; Sodium serum level quantitative trait locus 1; Avascular necrosis of femoral head, primary, 2. Last evaluated: 2022-02-14. Review status: criteria provided, single submitter. Criteria: ACMG Guidelines, 2015. Collection method: clinical testing. Allele origin: unknown.

Mayo Clinic Laboratories, Mayo Clinic
Classification: Uncertain significance. Last evaluated: 2021-03-12. Review status: criteria provided, single submitter. Criteria: ACMG Guidelines, 2015. Collection method: clinical testing. Allele origin: germline. Observed: 1 variant allele.

GeneDx
Classification: Uncertain significance. Last evaluated: 2016-04-29. Review status: criteria provided, single submitter. Criteria: GeneDx Variant Classification (06012015). Collection method: clinical testing. Allele origin: germline. Affected: yes.
Comment: The S824L variant has not been published as a pathogenic variant, nor has it been reported as a benign variant to our knowledge. It was not observed in approximately 6,500 individuals of European and African American ancestry in the NHLBI Exome Sequencing Project, indicating it is not a common benign variant in these populations. The S824L variant is a non-conservative amino acid substitution, which is likely to impact secondary protein structure as these residues differ in polarity, charge, size and/or other properties. However, this substitution occurs at a position that is not conserved. In silico analysis is inconsistent in its predictions as to whether or not the variant is damaging to the protein structure/function. Therefore, based on the currently available information, it is unclear whether this variant is a pathogenic variant or a rare benign variant.

NM_021625.5(TRPV4):c.2471C>T (p.Ser824Leu)

Gene: TRPV4 (transient receptor potential cation channel subfamily V member 4; minus strand). Cytogenetic location: 12q24.11.
Variant type: single nucleotide variant.
Coding change: c.2471C>T on transcript NM_021625.5 (MANE Select); coding-DNA position 2471, C replaced by T.
Protein change: p.Ser824Leu; replaces serine 824 with leucine.
Molecular consequence: missense variant.
Genome position (GRCh38, 1-based): chr12:109,783,766, G>A on the plus strand (C>T on the coding strand, the complement: TRPV4 is on the minus strand). VCF-style: chr12-109783766-G-A. GRCh37 (hg19) VCF-style: chr12-110221571-G-A.
Other names: c.2330C>T, p.Ser777Leu (NM_001177428.2); c.2369C>T, p.Ser790Leu (NM_001177431.2); c.2150C>T, p.Ser717Leu (NM_001177433.2); c.2291C>T, p.Ser764Leu (NM_147204.3); short protein forms S824L, S717L, S764L, S777L, S790L.
Identifiers: ClinVar variation 246569 (VCV000246569.8), dbSNP rs764622721, ClinGen allele CA6779881.